The following is an entry in ClinVar:

ClinVar aggregate classification (germline): Uncertain significance (1 of 4 stars; one submission).

Conditions:
Fanconi anemia complementation group J. Also called: BRIP1-Related Fanconi Anemia. Identifiers: Orphanet 84, MedGen C1836860, MONDO:0012187, OMIM 609054.
Familial cancer of breast. Also called: Hereditary breast cancer; hereditary breast carcinoma; BREAST CANCER, FAMILIAL. Identifiers: Orphanet 227535, MedGen C0346153, MONDO:0016419, OMIM 114480. Disease mechanism: loss of function.

Submission:

Labcorp Genetics (formerly Invitae), Labcorp
Classification: Uncertain significance for Familial cancer of breast; Fanconi anemia complementation group J. Last evaluated: 2025-10-01. Review status: criteria provided, single submitter. Criteria: Invitae Variant Classification Sherloc (09022015). Collection method: clinical testing. Allele origin: germline.
Comment: This sequence change replaces phenylalanine, which is neutral and non-polar, with serine, which is neutral and polar, at codon 694 of the BRIP1 protein (p.Phe694Ser). This variant is not present in population databases (gnomAD no frequency). This variant has not been reported in the literature in individuals affected with BRIP1-related conditions. Invitae Evidence Modeling of protein sequence and biophysical properties (such as structural, functional, and spatial information, amino acid conservation, physicochemical variation, residue mobility, and thermodynamic stability) indicates that this missense variant is expected to disrupt BRIP1 protein function with a positive predictive value of 95%. In summary, the available evidence is currently insufficient to determine the role of this variant in disease. Therefore, it has been classified as a Variant of Uncertain Significance.

NM_032043.3(BRIP1):c.2081T>C (p.Phe694Ser)

Gene: BRIP1 (BRCA1 interacting DNA helicase 1; minus strand). Cytogenetic location: 17q23.2.
Variant type: single nucleotide variant.
Coding change: c.2081T>C on transcript NM_032043.3 (MANE Select); coding-DNA position 2081, T replaced by C.
Protein change: p.Phe694Ser; replaces phenylalanine 694 with serine.
Molecular consequence: missense variant.
Genome position (GRCh38, 1-based): chr17:61,776,417, A>G on the plus strand (T>C on the coding strand, the complement: BRIP1 is on the minus strand). VCF-style: chr17-61776417-A-G. GRCh37 (hg19) VCF-style: chr17-59853778-A-G.
Other names: short protein forms F694S.
Identifiers: ClinVar variation 4783558 (VCV004783558.1).